The following is an entry in ClinVar:

NM_024334.3(TMEM43):c.646G>T (p.Val216Leu)

Gene: TMEM43 (transmembrane protein 43; plus strand). Cytogenetic location: 3p25.1.
Variant type: single nucleotide variant.
Coding change: c.646G>T on transcript NM_024334.3 (MANE Select); coding-DNA position 646, G replaced by T.
Protein change: p.Val216Leu; replaces valine 216 with leucine.
Molecular consequence: missense variant.
Genome position (GRCh38, 1-based): chr3:14,134,832, G>T. VCF-style: chr3-14134832-G-T. GRCh37 (hg19) VCF-style: chr3-14176332-G-T.
Other names: short protein forms V216L.
Identifiers: ClinVar variation 922956 (VCV000922956.12), dbSNP rs143735210, ClinGen allele CA054738.

ClinVar aggregate classification (germline): Conflicting classifications of pathogenicity. Review status: criteria provided, conflicting classifications (1 of 4 stars). 4 submissions from 4 submitters: Uncertain significance (3); Likely benign (1). Last evaluated 2025-08-16.

Conditions:
Arrhythmogenic right ventricular dysplasia 5. Also called: Arrhythmogenic Right Ventricular Dysplasia/Cardiomyopathy 5; ARRHYTHMOGENIC RIGHT VENTRICULAR DYSPLASIA, FAMILIAL, 5. Identifiers: MedGen C1858379, MONDO:0011459, OMIM 604400.
Cardiovascular phenotype. Identifiers: MedGen CN230736.
Cardiomyopathy (CMYO). Also called: Cardiomyopathies. Identifiers: Orphanet 167848, MedGen C0878544, MONDO:0004994, HP:0001638. Inheritance: Various modes of inheritance.

gnomAD v4.1: 12 of 1,614,196 alleles (0.00074%); highest among the groups gnomAD compares: East Asian, 0.025%; no homozygotes.

Submissions (4):

Labcorp Genetics (formerly Invitae), Labcorp
Classification: Uncertain significance for Arrhythmogenic right ventricular dysplasia 5. Last evaluated: 2025-08-16. Review status: criteria provided, single submitter. Criteria: Invitae Variant Classification Sherloc (09022015). Collection method: clinical testing. Allele origin: germline.
Comment: This sequence change replaces valine, which is neutral and non-polar, with leucine, which is neutral and non-polar, at codon 216 of the TMEM43 protein (p.Val216Leu). This variant is present in population databases (rs143735210, gnomAD 0.02%). This variant has not been reported in the literature in individuals affected with TMEM43-related conditions. ClinVar contains an entry for this variant (Variation ID: 922956). Invitae Evidence Modeling of protein sequence and biophysical properties (such as structural, functional, and spatial information, amino acid conservation, physicochemical variation, residue mobility, and thermodynamic stability) indicates that this missense variant is not expected to disrupt TMEM43 protein function with a negative predictive value of 80%. In summary, the available evidence is currently insufficient to determine the role of this variant in disease. Therefore, it has been classified as a Variant of Uncertain Significance.

Color Diagnostics, LLC DBA Color Health
Classification: Uncertain significance for Cardiomyopathy. Last evaluated: 2023-12-05. Review status: criteria provided, single submitter. Criteria: ACMG Guidelines, 2015. Collection method: clinical testing. Allele origin: germline.
Comment: Variant of Uncertain Significance due to insufficient evidence: This missense variant is located in the cytoplasmic domain of the TMEM43 protein. Computational prediction tools and conservation analyses are inconclusive regarding the impact of this variant on the protein function. Computational splicing tools suggest that this variant may not impact RNA splicing. To our knowledge, functional assays have not been performed for this variant nor has this variant been reported in individuals affected with cardiovascular disorders in the literature. This variant has been identified in 4/246130 chromosomes in the general population by the Genome Aggregation Database (gnomAD). Available evidence is insufficient to determine the pathogenicity of this variant conclusively.

All of Us Research Program, National Institutes of Health
Classification: Uncertain significance for Arrhythmogenic right ventricular dysplasia 5. Last evaluated: 2023-05-04. Review status: criteria provided, single submitter. Criteria: ACMG Guidelines, 2015. Collection method: clinical testing. Allele origin: germline. Inheritance: Autosomal dominant inheritance. Observed: 1 variant allele, 1 heterozygote.
Comment: Variant of Uncertain Significance due to insufficient evidence: This missense variant is located in the cytoplasmic domain of the TMEM43 protein. Computational prediction tools and conservation analyses are inconclusive regarding the impact of this variant on the protein function. Computational splicing tools suggest that this variant may not impact RNA splicing. To our knowledge, functional assays have not been performed for this variant nor has this variant been reported in individuals affected with cardiovascular disorders in the literature. This variant has been identified in 4/246130 chromosomes in the general population by the Genome Aggregation Database (gnomAD). Available evidence is insufficient to determine the pathogenicity of this variant conclusively.

This study involves interpretation of variants in research participants for the purpose of population health screening. Participant phenotype was not available at the time of variant classification. Additional details can be found in publication PMID: 35346344, PMCID: PMC8962531

Ambry Genetics
Classification: Likely benign for Cardiovascular phenotype. Last evaluated: 2022-01-04. Review status: criteria provided, single submitter. Criteria: Ambry Variant Classification Scheme 2023. Collection method: clinical testing. Allele origin: germline.